The following is an entry in ClinVar:

NM_000548.5(TSC2):c.5296C>T (p.Pro1766Ser)

Gene: TSC2 (TSC complex subunit 2; plus strand). Cytogenetic location: 16p13.3.
Variant type: single nucleotide variant.
Coding change: c.5296C>T on transcript NM_000548.5 (MANE Select); coding-DNA position 5296, C replaced by T.
Protein change: p.Pro1766Ser; replaces proline 1766 with serine.
Molecular consequence: missense variant.
Genome position (GRCh38, 1-based): chr16:2,088,482, C>T. VCF-style: chr16-2088482-C-T. GRCh37 (hg19) VCF-style: chr16-2138483-C-T.
Other names: c.5296C>T (NM_000548.4); c.5095C>T, p.Pro1699Ser (NM_001077183.3); c.5227C>T, p.Pro1743Ser (NM_001114382.3); c.4987C>T, p.Pro1663Ser (NM_001318827.2); c.4951C>T, p.Pro1651Ser (NM_001318829.2); c.4564C>T, p.Pro1522Ser (NM_001318831.2); c.5128C>T, p.Pro1710Ser (NM_001318832.2); c.5098C>T, p.Pro1700Ser (NM_001363528.2); and 3 more; short protein forms P1766S, P1710S, P1651S, P1700S, P1719S, P1722S, P1723S, P1522S.
Identifiers: ClinVar variation 486634 (VCV000486634.53), dbSNP rs779621136, ClinGen allele CA054989.

ClinVar aggregate classification (germline): Conflicting classifications of pathogenicity. Review status: criteria provided, conflicting classifications (1 of 4 stars). 5 submissions from 5 submitters: Uncertain significance (3); Benign (1); Likely benign (1). Last evaluated 2026-01-19.

Conditions:
Tuberous sclerosis 2 (TSC2). Identifiers: Orphanet 805, MedGen C1860707, MONDO:0013199, OMIM 613254.
TSC2-related disorder. Also called: TSC2-related condition; TSC2-Related Disorders.
Hereditary cancer-predisposing syndrome. Also called: Hereditary neoplastic syndrome; Neoplastic Syndromes, Hereditary; Hereditary Cancer Syndrome; Tumor predisposition. Identifiers: Orphanet 140162, MedGen C0027672, MeSH D009386, MONDO:0015356.

Allele frequency attached by ClinVar (database versions not stated): gnomAD 0.00001; gnomAD exomes 0.00001 and 0.00002; TOPMed 0.00003; ExAC 0.00004.
gnomAD v4.1: 8 of 1,612,816 alleles (0.0005%); highest among the groups gnomAD compares: Non-Finnish European, 0.00051%; no homozygotes.

Submissions (5):

Labcorp Genetics (formerly Invitae), Labcorp
Classification: Benign for Tuberous sclerosis 2. Last evaluated: 2026-01-19. Review status: criteria provided, single submitter. Criteria: Invitae Variant Classification Sherloc (09022015). Collection method: clinical testing. Allele origin: germline.

PreventionGenetics, part of Exact Sciences
Classification: Uncertain significance for TSC2-related condition. Last evaluated: 2024-12-31. Review status: criteria provided, single submitter. Criteria: ACMG Guidelines, 2015. Collection method: clinical testing. Allele origin: germline.
Comment: The TSC2 c.5296C>T variant is predicted to result in the amino acid substitution p.Pro1766Ser. This variant was reported in an individual with early onset renal cell carcinoma (Table S2, Demidova et al. 2023. PubMed ID: 37095444). This variant is reported in 0.0039% of alleles in individuals of European (non-Finnish) descent in gnomAD. At this time, the clinical significance of this variant is uncertain due to the absence of conclusive functional and genetic evidence.

Ambry Genetics
Classification: Uncertain significance for Hereditary cancer-predisposing syndrome. Last evaluated: 2024-09-16. Review status: criteria provided, single submitter. Criteria: Ambry Variant Classification Scheme 2023. Collection method: clinical testing. Allele origin: germline.
Comment: The p.P1766S variant (also known as c.5296C>T), located in coding exon 41 of the TSC2 gene, results from a C to T substitution at nucleotide position 5296. The proline at codon 1766 is replaced by serine, an amino acid with similar properties. This amino acid position is not well conserved in available vertebrate species. In addition, the in silico prediction for this alteration is inconclusive. Based on the available evidence, the clinical significance of this variant remains unclear.

Genome-Nilou Lab
Classification: Likely benign for Tuberous sclerosis 2. Last evaluated: 2021-11-07. Review status: criteria provided, single submitter. Criteria: ACMG Guidelines, 2015. Collection method: clinical testing. Allele origin: germline. Affected: no.

CeGaT Center for Human Genetics Tuebingen
Classification: Uncertain significance. Last evaluated: 2021-04-01. Review status: criteria provided, single submitter. Criteria: CeGaT Center For Human Genetics Tuebingen Variant Classification Criteria Version 2. Collection method: clinical testing. Allele origin: germline. Affected: yes. Observed: 1 variant allele.